The following is an entry in ClinVar:

ClinVar aggregate classification (germline): Uncertain significance. Review status: criteria provided, multiple submitters, no conflicts (2 of 4 stars). 2 submissions from 2 submitters: Uncertain significance (2). Last evaluated 2025-10-21.

Allele frequency attached by ClinVar (database versions not stated): gnomAD exomes 0.00001; ExAC 0.00006; ESP Exome Variant Server 0.00008; TOPMed 0.00015; gnomAD 0.00017.
gnomAD v4.1: 37 of 1,612,742 alleles (0.0023%); highest among the groups gnomAD compares: African/African-American, 0.037%; no homozygotes.

Submissions (2):

Labcorp Genetics (formerly Invitae), Labcorp
Classification: Uncertain significance. Last evaluated: 2025-10-21. Review status: criteria provided, single submitter. Criteria: Invitae Variant Classification Sherloc (09022015). Collection method: clinical testing. Allele origin: germline.
Comment: This sequence change replaces cysteine, which is neutral and slightly polar, with phenylalanine, which is neutral and non-polar, at codon 369 of the SUCLG2 protein (p.Cys369Phe). This variant is present in population databases (rs375028356, gnomAD 0.03%). This variant has not been reported in the literature in individuals affected with SUCLG2-related conditions. ClinVar contains an entry for this variant (Variation ID: 2212257). An algorithm developed to predict the effect of missense changes on protein structure and function (PolyPhen-2) suggests that this variant is likely to be disruptive. In summary, the available evidence is currently insufficient to determine the role of this variant in disease. Therefore, it has been classified as a Variant of Uncertain Significance.

Ambry Genetics
Classification: Uncertain significance. Last evaluated: 2021-08-10. Review status: criteria provided, single submitter. Criteria: Ambry Variant Classification Scheme 2023. Collection method: clinical testing. Allele origin: germline.

NM_003848.4(SUCLG2):c.1106G>T (p.Cys369Phe)

Gene: SUCLG2 (succinate-CoA ligase GDP-forming subunit beta; minus strand). Cytogenetic location: 3p14.1.
Variant type: single nucleotide variant.
Coding change: c.1106G>T on transcript NM_003848.4 (MANE Select); coding-DNA position 1106, G replaced by T.
Protein change: p.Cys369Phe; replaces cysteine 369 with phenylalanine.
Molecular consequence: missense variant.
Genome position (GRCh38, 1-based): chr3:67,400,808, C>A on the plus strand (G>T on the coding strand, the complement: SUCLG2 is on the minus strand). VCF-style: chr3-67400808-C-A. GRCh37 (hg19) VCF-style: chr3-67451232-C-A.
Other names: c.1106G>T, p.Cys369Phe (NM_001177599.2); short protein forms C369F.
Identifiers: ClinVar variation 2212257 (VCV002212257.4), dbSNP rs375028356, ClinGen allele CA2485781.